The following is an entry in ClinVar:

ClinVar aggregate classification (germline): Likely pathogenic (1 of 4 stars; one submission).

Conditions:
Developmental and epileptic encephalopathy, 2 (DEE2). Also called: INFANTILE SPASM SYNDROME, X-LINKED 2; CDKL5 deficiency disorder. Identifiers: Orphanet 1934, Orphanet 3451, Orphanet 505652, MedGen C4750718, MONDO:0010396, OMIM 300672.

Submission:

Molecular Genetics Laboratory, Motol Hospital
Classification: Likely pathogenic for Developmental and epileptic encephalopathy, 2. Last evaluated: 2024-11-27. Review status: criteria provided, single submitter. Criteria: ACMG Guidelines, 2015. Collection method: clinical testing. Allele origin: de novo. Affected: yes. Observed: 1 variant allele.
Comment: The variant was confirmed to be of a de novo origin. Rare variants affecting the CDKL5 gene are documented as a molecular cause of X-linked dominant "developmental and epileptic encephalopathy 2, OMIM:300672) (PMID:18809835;22670135;31313283;29655203). To conclude, the variant is classified as likely pathogenic (ACMG PM1, PM2, PM5, PS2).

Literature cited by the submitters: PubMed 18809835; PubMed 22670135; PubMed 31313283; PubMed 29655203.

NM_001323289.2(CDKL5):c.873T>G (p.Cys291Trp)

Gene: CDKL5 (cyclin dependent kinase like 5; plus strand). Cytogenetic location: Xp22.13.
Variant type: single nucleotide variant.
Coding change: c.873T>G on transcript NM_001323289.2 (MANE Select); coding-DNA position 873, T replaced by G.
Protein change: p.Cys291Trp; replaces cysteine 291 with tryptophan.
Molecular consequence: missense variant.
Genome position (GRCh38, 1-based): chrX:18,598,509, T>G. VCF-style: chrX-18598509-T-G. GRCh37 (hg19) VCF-style: chrX-18616629-T-G.
Other names: c.873T>G, p.Cys291Trp (NM_001037343.2, NM_003159.3); short protein forms C291W.
Identifiers: ClinVar variation 3381752 (VCV003381752.2).
Genomic context (GRCh38, chrX:18,598,509, plus strand): 5'-TTTATTTCCTAAGAATTTACTGAAGTTGGACCCAGCTGACAGATACTTGACAGAACAGTG[T>G]TTGAATCACCCTACATTTCAAACCCAGAGACTTCTGGATCGTTCTCCTTCAAGGTCAGCA-3'
Protein context (NP_001310218.1, residues 281-301): DPADRYLTEQ[Cys291Trp]LNHPTFQTQR